The following is an entry in ClinVar:

NM_000277.3(PAH):c.227del (p.Glu76fs)

Gene: PAH (phenylalanine hydroxylase; minus strand). Cytogenetic location: 12q23.2.
Variant type: Deletion.
Coding change: c.227del on transcript NM_000277.3 (MANE Select); coding-DNA position 227, one base deleted (A; older notation c.227delA).
Protein change: p.Glu76fs; shifts the reading frame from glutamic acid 76.
Molecular consequence: frameshift variant.
Genome position (GRCh38, 1-based): chr12:102,894,860, T deleted on the plus strand (A on the coding strand, the reverse complement: PAH is on the minus strand). VCF-style (leftmost placement, unchanged base first): chr12-102894859-CT-C. GRCh37 (hg19) VCF-style: chr12-103288637-CT-C.
Other names: c.227del, p.Glu76fs (NM_001354304.2); short protein forms E76fs.
Identifiers: ClinVar variation 5014236 (VCV005014236.1).

ClinVar aggregate classification (germline): Pathogenic (1 of 4 stars; one submission).

Conditions:
Phenylketonuria (PKU). Also called: FOLLING DISEASE; OLIGOPHRENIA PHENYLPYRUVICA; Phenylketonurias; Phenylketonuria (PKU). Identifiers: Orphanet 716, MedGen C0031485, MONDO:0009861, OMIM 261600. Disease mechanism: loss of function.

Submission:

Myriad Genetics, Inc.
Classification: Pathogenic for Phenylketonuria. Last evaluated: 2025-03-21. Review status: criteria provided, single submitter. Criteria: Myriad Autosomal Dominant, Autosomal Recessive and X-Linked Classification Criteria (2023). Collection method: clinical testing. Allele origin: unknown.
Comment: NM_000277.1(PAH):c.227delA(E76Gfs*16) is expected to be pathogenic in the context of phenylalanine hydroxylase deficiency. This variant is predicted to lead to an abnormal or absent protein product due to the creation of a premature termination codon in PAH, a gene where loss-of-function variants are known to be pathogenic. Please note: this variant was assessed in the context of healthy population screening.